The following is an entry in ClinVar:

ClinVar aggregate classification (germline): Pathogenic (1 of 4 stars; one submission).

Conditions:
PMM2-congenital disorder of glycosylation. Also called: PMM2-CDG; CDG Ia; JAEKEN SYNDROME; PHOSPHOMANNOMUTASE 2 DEFICIENCY; CARBOHYDRATE-DEFICIENT GLYCOPROTEIN SYNDROME, TYPE Ia; Congenital disorder of glycosylation, type Ia. Identifiers: Orphanet 79318, MedGen C0349653, MONDO:0008907, OMIM 212065.

Submission:

Labcorp Genetics (formerly Invitae), Labcorp
Classification: Pathogenic for PMM2-congenital disorder of glycosylation. Last evaluated: 2024-08-31. Review status: criteria provided, single submitter. Criteria: Invitae Variant Classification Sherloc (09022015). Collection method: clinical testing. Allele origin: germline.
Comment: This sequence change creates a premature translational stop signal (p.Phe157Leufs*2) in the PMM2 gene. It is expected to result in an absent or disrupted protein product. Loss-of-function variants in PMM2 are known to be pathogenic (PMID: 19862844). This variant is not present in population databases (gnomAD no frequency). This variant has not been reported in the literature in individuals affected with PMM2-related conditions. For these reasons, this variant has been classified as Pathogenic.

Literature cited by the submitters: PubMed 19862844.

NM_000303.3(PMM2):c.471del (p.Phe157fs)

Gene: PMM2 (phosphomannomutase 2; plus strand). Cytogenetic location: 16p13.2.
Variant type: Deletion.
Coding change: c.471del on transcript NM_000303.3 (MANE Select); coding-DNA position 471, one base deleted (T; older notation c.471delT).
Protein change: p.Phe157fs; shifts the reading frame from phenylalanine 157.
Molecular consequence: frameshift variant.
Genome position (GRCh38, 1-based): chr16:8,811,661, T deleted; the last of 3 consecutive T bases (chr16:8,811,659-8,811,661); deleting any one gives the same sequence. VCF-style (leftmost placement, unchanged base first): chr16-8811658-GT-G. GRCh37 (hg19) VCF-style: chr16-8905515-GT-G.
Other names: short protein forms F157fs.
Identifiers: ClinVar variation 3663838 (VCV003663838.2).